The following is an entry in ClinVar:

NM_016464.5(TMEM138):c.377-11C>T

Gene: TMEM138 (transmembrane protein 138; plus strand). Cytogenetic location: 11q12.2.
Variant type: single nucleotide variant.
Coding change: c.377-11C>T on transcript NM_016464.5 (MANE Select); 11 bases into the intron before coding-DNA position 377, C replaced by T.
Molecular consequence: intron variant.
Genome position (GRCh38, 1-based): chr11:61,368,586, C>T. VCF-style: chr11-61368586-C-T. GRCh37 (hg19) VCF-style: chr11-61136058-C-T.
Other names: c.203-11C>T (NM_001330281.2).
Identifiers: ClinVar variation 389311 (VCV000389311.9), dbSNP rs749034092, ClinGen allele CA6034643.

ClinVar aggregate classification (germline): Likely benign. Review status: criteria provided, multiple submitters, no conflicts (2 of 4 stars). 3 submissions from 3 submitters: Likely benign (3). Last evaluated 2026-01-28.

Conditions:
Joubert syndrome 16 (JBTS16). Identifiers: Orphanet 2318, MedGen C3280906, MONDO:0013764, OMIM 614465.

Allele frequency attached by ClinVar (database versions not stated): gnomAD below 0.00001 and 0.00001; gnomAD exomes 0.00005 and 0.00014; ExAC 0.00016.

Submissions (3):

Labcorp Genetics (formerly Invitae), Labcorp
Classification: Likely benign for Joubert syndrome 16. Last evaluated: 2026-01-28. Review status: criteria provided, single submitter. Criteria: Invitae Variant Classification Sherloc (09022015). Collection method: clinical testing. Allele origin: germline.

Blueprint Genetics
Classification: Likely benign. Last evaluated: 2023-07-28. Review status: criteria provided, single submitter. Criteria: ACMG Guidelines, 2015. Collection method: clinical testing. Allele origin: germline.

GeneDx
Classification: Likely benign. Last evaluated: 2016-09-23. Review status: criteria provided, single submitter. Criteria: GeneDx Variant Classification (06012015). Collection method: clinical testing. Allele origin: germline. Affected: yes.
Comment: This variant is considered likely benign or benign based on one or more of the following criteria: it is a conservative change, it occurs at a poorly conserved position in the protein, it is predicted to be benign by multiple in silico algorithms, and/or has population frequency not consistent with disease.